The following is an entry in ClinVar:

NC_000001.10:g.(?_216107948)_(216144128_?)del

Gene: USH2A (usherin; minus strand). Cytogenetic location: 1q41.
Variant type: Deletion.
Identifiers: ClinVar variation 1349858 (VCV001349858.6).

ClinVar aggregate classification (germline): Likely pathogenic (1 of 4 stars; one submission).

Submission:

Labcorp Genetics (formerly Invitae), Labcorp
Classification: Likely pathogenic. Last evaluated: 2020-11-11. Review status: criteria provided, single submitter. Criteria: Invitae Variant Classification Sherloc (09022015). Collection method: clinical testing. Allele origin: germline.
Comment: This variant disrupts the p.Gly2313 amino acid residue in USH2A. Other variant(s) that disrupt this residue have been determined to be pathogenic (PMID: 27032803, 26306921). This suggests that this residue is clinically significant, and that variants that disrupt this residue are likely to be disease-causing. In summary, the currently available evidence indicates that the variant is pathogenic, but additional data are needed to prove that conclusively. Therefore, this variant has been classified as Likely Pathogenic. This variant has not been reported in the literature in individuals with USH2A-related conditions. This variant is a gross deletion of the genomic region encompassing exon(s) 36-38 of the USH2A gene. This variant would be expected to be in-frame, preserving the integrity of the reading frame.

Literature cited by the submitters: PubMed 27032803; PubMed 26306921.